The following is an entry in ClinVar:

NM_000381.4(MID1):c.1012A>G (p.Arg338Gly)

Gene: MID1 (midline 1; minus strand). Cytogenetic location: Xp22.2.
Variant type: single nucleotide variant.
Coding change: c.1012A>G on transcript NM_000381.4 (MANE Select); coding-DNA position 1012, A replaced by G.
Protein change: p.Arg338Gly; replaces arginine 338 with glycine.
Molecular consequence: missense variant.
Genome position (GRCh38, 1-based): chrX:10,482,481, T>C on the plus strand (A>G on the coding strand, the complement: MID1 is on the minus strand). VCF-style: chrX-10482481-T-C. GRCh37 (hg19) VCF-style: chrX-10450521-T-C.
Other names: NC_000023.10:g.10450521T>C; c.1012A>G, p.Arg338Gly (NM_001098624.2, NM_001193277.1, NM_001193279.1 and 2 more transcripts); c.1165A>G, p.Arg389Gly (NM_001193278.1); c.898A>G, p.Arg300Gly (NM_001193280.1, NM_033289.2); short protein forms R300G, R338G, R389G.
Identifiers: ClinVar variation 1201526 (VCV001201526.5), dbSNP rs2147299205, ClinGen allele CA412052727.

ClinVar aggregate classification (germline): Uncertain significance (1 of 4 stars; one submission).

Submissions (2):

GeneDx
Classification: Uncertain significance. Last evaluated: 2026-09-02. Review status: criteria provided, single submitter. Criteria: GeneDx Variant Classification Process June 2021. Collection method: clinical testing. Allele origin: germline.
Comment: Not observed at significant frequency in large population cohorts (gnomAD); In silico analysis supports that this missense variant has a deleterious effect on protein structure/function; Has not been previously published as pathogenic or benign to our knowledge

Dr. Peter K. Rogan Lab, Western University
No classification provided (evidence only). Condition: Thyroid cancer, nonmedullary, 1. Review status: no classification provided. Collection method: in vitro. Allele origin: not applicable. Functional consequence: retained intron. Not counted in ClinVar's aggregate classification.